The following is an entry in ClinVar:

ClinVar aggregate classification (germline): Benign/Likely benign. Review status: criteria provided, multiple submitters, no conflicts (2 of 4 stars). 3 submissions from 3 submitters: Benign (1); Likely benign (2). Last evaluated 2025-06-10.

Conditions:
Hereditary cancer-predisposing syndrome. Also called: Neoplastic Syndromes, Hereditary; Tumor predisposition; Hereditary Cancer Syndrome; Hereditary neoplastic syndrome. Identifiers: Orphanet 140162, MedGen C0027672, MeSH D009386, MONDO:0015356.
Von Hippel-Lindau syndrome (VHLS). Also called: von Hippel–Lindau syndrome; Von Hippel-Lindau; VHL syndrome. Identifiers: Orphanet 892, MedGen C0019562, MONDO:0008667, OMIM 193300. Disease mechanism: loss of function.
Chuvash polycythemia. Also called: POLYCYTHEMIA, VHL-DEPENDENT. Identifiers: Orphanet 238557, MedGen C1837915, MONDO:0009892, OMIM 263400.

Allele frequency attached by ClinVar (database versions not stated): TOPMed below 0.00001.
gnomAD v4.1: 2 of 1,604,748 alleles (0.00012%); highest among the groups gnomAD compares: African/African-American, 0.0027%; no homozygotes.

Submissions (3):

Myriad Genetics, Inc.
Classification: Benign for Von Hippel-Lindau syndrome. Last evaluated: 2025-06-10. Review status: criteria provided, single submitter. Criteria: Myriad Autosomal Dominant, Autosomal Recessive and X-Linked Classification Criteria (2023). Collection method: clinical testing. Allele origin: unknown.
Comment: This variant is considered benign. This variant is a silent/synonymous amino acid change and it is not expected to impact splicing.

Ambry Genetics
Classification: Likely benign for Hereditary cancer-predisposing syndrome. Last evaluated: 2024-05-18. Review status: criteria provided, single submitter. Criteria: Ambry Variant Classification Scheme 2023. Collection method: clinical testing. Allele origin: germline.

Labcorp Genetics (formerly Invitae), Labcorp
Classification: Likely benign for Von Hippel-Lindau syndrome; Chuvash polycythemia. Last evaluated: 2022-03-17. Review status: criteria provided, single submitter. Criteria: Invitae Variant Classification Sherloc (09022015). Collection method: clinical testing. Allele origin: germline.

NM_000551.4(VHL):c.201C>T (p.Asn67=)

Gene: VHL (von Hippel-Lindau tumor suppressor; plus strand). Cytogenetic location: 3p25.3.
Variant type: single nucleotide variant.
Coding change: c.201C>T on transcript NM_000551.4 (MANE Select); coding-DNA position 201, C replaced by T.
Protein change: p.Asn67=; no amino-acid change (asparagine 67 retained).
Molecular consequence: synonymous variant.
Genome position (GRCh38, 1-based): chr3:10,142,048, C>T. VCF-style: chr3-10142048-C-T. GRCh37 (hg19) VCF-style: chr3-10183732-C-T.
Other names: c.201C>T (NM_000551.3); c.201C>T, p.Asn67= (NM_001354723.2, NM_198156.3).
Identifiers: ClinVar variation 1575054 (VCV001575054.10), dbSNP rs769658318, ClinGen allele CA70042498.